The following is an entry in ClinVar:

ClinVar aggregate classification (germline): Uncertain significance. Review status: criteria provided, multiple submitters, no conflicts (2 of 4 stars). 2 submissions from 2 submitters: Uncertain significance (2). Last evaluated 2025-04-13.

Conditions:
Hereditary cancer-predisposing syndrome. Also called: Neoplastic Syndromes, Hereditary; Hereditary Cancer Syndrome; Tumor predisposition; Hereditary neoplastic syndrome. Identifiers: Orphanet 140162, MedGen C0027672, MeSH D009386, MONDO:0015356.
Oligodontia-cancer predisposition syndrome. Also called: TOOTH AGENESIS-COLORECTAL CANCER SYNDROME. Identifiers: Orphanet 300576, MedGen C1837750, MONDO:0012075, OMIM 608615. Disease mechanism: loss of function.

gnomAD v4.1: 2 of 1,614,104 alleles (0.00012%); highest among the groups gnomAD compares: Non-Finnish European, 0.00017%; no homozygotes.

Submissions (2):

Labcorp Genetics (formerly Invitae), Labcorp
Classification: Uncertain significance for Oligodontia-cancer predisposition syndrome. Last evaluated: 2025-04-13. Review status: criteria provided, single submitter. Criteria: Invitae Variant Classification Sherloc (09022015). Collection method: clinical testing. Allele origin: germline.
Comment: This sequence change replaces arginine, which is basic and polar, with glycine, which is neutral and non-polar, at codon 841 of the AXIN2 protein (p.Arg841Gly). This variant is not present in population databases (gnomAD no frequency). This variant has not been reported in the literature in individuals affected with AXIN2-related conditions. ClinVar contains an entry for this variant (Variation ID: 944635). Invitae Evidence Modeling of protein sequence and biophysical properties (such as structural, functional, and spatial information, amino acid conservation, physicochemical variation, residue mobility, and thermodynamic stability) indicates that this missense variant is expected to disrupt AXIN2 protein function with a positive predictive value of 80%. In summary, the available evidence is currently insufficient to determine the role of this variant in disease. Therefore, it has been classified as a Variant of Uncertain Significance.

Ambry Genetics
Classification: Uncertain significance for Hereditary cancer-predisposing syndrome. Last evaluated: 2025-03-10. Review status: criteria provided, single submitter. Criteria: Ambry Variant Classification Scheme 2023. Collection method: clinical testing. Allele origin: germline.
Comment: The p.R841G variant (also known as c.2521C>G), located in coding exon 10 of the AXIN2 gene, results from a C to G substitution at nucleotide position 2521. The arginine at codon 841 is replaced by glycine, an amino acid with dissimilar properties. This amino acid position is conserved. In addition, the in silico prediction for this alteration is inconclusive. Since supporting evidence is limited at this time, the clinical significance of this alteration remains unclear.

NM_004655.4(AXIN2):c.2521C>G (p.Arg841Gly)

Gene: AXIN2 (axin 2; minus strand). Cytogenetic location: 17q24.1.
Variant type: single nucleotide variant.
Coding change: c.2521C>G on transcript NM_004655.4 (MANE Select); coding-DNA position 2521, C replaced by G.
Protein change: p.Arg841Gly; replaces arginine 841 with glycine.
Molecular consequence: missense variant.
Genome position (GRCh38, 1-based): chr17:65,529,987, G>C on the plus strand (C>G on the coding strand, the complement: AXIN2 is on the minus strand). VCF-style: chr17-65529987-G-C. GRCh37 (hg19) VCF-style: chr17-63526105-G-C.
Other names: c.2326C>G, p.Arg776Gly (NM_001363813.1); short protein forms R776G, R841G.
Identifiers: ClinVar variation 944635 (VCV000944635.13), dbSNP rs527766429, ClinGen allele CA400674730.